The following is an entry in ClinVar:

NM_005689.4(ABCB6):c.1118_1124del (p.Ala373fs)

Gene: ABCB6 (ATP binding cassette subfamily B member 6 (LAN blood group); minus strand). Cytogenetic location: 2q35.
Variant type: Microsatellite.
Coding change: c.1118_1124del on transcript NM_005689.4 (MANE Select); coding-DNA positions 1118 to 1124, 7 bases deleted (CGGATCG; older notation c.1118_1124delCGGATCG).
Protein change: p.Ala373fs; shifts the reading frame from alanine 373.
Molecular consequence: frameshift variant.
Genome position (GRCh38, 1-based): chr2:219,216,027-219,216,033, CGATCCG deleted on the plus strand (CGGATCG on the coding strand, the reverse complement: ABCB6 is on the minus strand); deleting any 7 consecutive bases within chr2:219,216,027-219,216,041 gives the same sequence; the c. name uses the placement nearest the transcript's 3' end. VCF-style (leftmost placement, unchanged base first): chr2-219216026-CCGATCCG-C. GRCh37 (hg19) VCF-style: chr2-220080748-CCGATCCG-C.
Other names: c.980_986del, p.Ala327fs (NM_001349828.2); short protein forms A327fs, A373fs.
Identifiers: ClinVar variation 253006 (VCV000253006.3), dbSNP rs765925019, ClinGen allele CA2119518.

ClinVar aggregate classification (germline): Affects (0 of 4 stars; one submission).

Conditions:
Langereis blood group. Also called: LANGEREIS BLOOD GROUP SYSTEM, LAN(-) PHENOTYPE. Identifiers: MedGen C3276339, OMIM 111600.

Submission:

Australian Red Cross Blood Service
Classification: Affects for Langereis blood group. Last evaluated: 2016-04-15. Review status: no assertion criteria provided. Collection method: clinical testing. Allele origin: unknown. Inheritance: Autosomal recessive inheritance. Affected: yes. Observed: 1 variant allele, 1 compound heterozygote.
Comment: Suspected transfusion reaction. The c.1118_1124delCGGATCG frameshift mutation is part of a compound heterozygote (together with ABCB6:c.1656-1G>A). This compound heterozygote is the only variation from the reference sequence for ABCB6.